The following is an entry in ClinVar:

ClinVar aggregate classification (germline): Uncertain significance (1 of 4 stars; one submission).

Conditions:
Inborn genetic diseases. Identifiers: MedGen C0950123, MeSH D030342.

Submission:

Ambry Genetics
Classification: Uncertain significance for Inborn genetic diseases. Last evaluated: 2026-05-14. Review status: criteria provided, single submitter. Criteria: Ambry Variant Classification Scheme 2023. Collection method: clinical testing. Allele origin: germline.
Comment: The p.G1575A variant (also known as c.4724G>C), located in coding exon 1 of the SAMD9 gene, results from a G to C substitution at nucleotide position 4724. The glycine at codon 1575 is replaced by alanine, an amino acid with similar properties. This amino acid position is conserved. In addition, the in silico prediction for this alteration is inconclusive. Based on the available evidence, the clinical significance of this variant remains unclear.

NM_017654.4(SAMD9):c.4724G>C (p.Gly1575Ala)

Gene: SAMD9 (sterile alpha motif domain containing 9; minus strand). Cytogenetic location: 7q21.2.
Variant type: single nucleotide variant.
Coding change: c.4724G>C on transcript NM_017654.4 (MANE Select); coding-DNA position 4724, G replaced by C.
Protein change: p.Gly1575Ala; replaces glycine 1575 with alanine.
Molecular consequence: missense variant.
Genome position (GRCh38, 1-based): chr7:93,101,374, C>G on the plus strand (G>C on the coding strand, the complement: SAMD9 is on the minus strand). VCF-style: chr7-93101374-C-G. GRCh37 (hg19) VCF-style: chr7-92730687-C-G.
Other names: c.4724G>C, p.Gly1575Ala (NM_001193307.2); short protein forms G1575A.
Identifiers: ClinVar variation 4863846 (VCV004863846.1).
Genomic context (GRCh38, chr7:93,101,374, plus strand): 5'-AGAATATCAGGCTCTTAAACAATTTCAATGTCATAAGCAAGTGGGCCTCCAATGGAAAAT[C>G]CCAGGTAAAAAGACACCTTCTCTATGCTTCTGCCACTTCTAAGTTGACCTAAAAAAGCGG-3'
Protein context (NP_060124.2, residues 1565-1585): RSIEKVSFYL[Gly1575Ala]FSIGGPLAYD